The following is an entry in ClinVar:

ClinVar aggregate classification (germline): Uncertain significance (1 of 4 stars; one submission).

Conditions:
Chédiak-Higashi syndrome (CHS). Also called: Chediak-Higashi Syndrome. Identifiers: Orphanet 167, MedGen C0007965, MONDO:0008963, OMIM 214500.

gnomAD v4.1: 1 of 1,613,700 alleles (0.000062%); highest among the groups gnomAD compares: East Asian, 0.0022%; no homozygotes.

Submission:

Labcorp Genetics (formerly Invitae), Labcorp
Classification: Uncertain significance for Chédiak-Higashi syndrome. Last evaluated: 2023-10-05. Review status: criteria provided, single submitter. Criteria: Invitae Variant Classification Sherloc (09022015). Collection method: clinical testing. Allele origin: germline.
Comment: This sequence change replaces threonine, which is neutral and polar, with serine, which is neutral and polar, at codon 3639 of the LYST protein (p.Thr3639Ser). This variant is not present in population databases (gnomAD no frequency). This variant has not been reported in the literature in individuals affected with LYST-related conditions. Advanced modeling of protein sequence and biophysical properties (such as structural, functional, and spatial information, amino acid conservation, physicochemical variation, residue mobility, and thermodynamic stability) performed at Invitae indicates that this missense variant is not expected to disrupt LYST protein function. In summary, the available evidence is currently insufficient to determine the role of this variant in disease. Therefore, it has been classified as a Variant of Uncertain Significance.

NM_000081.4(LYST):c.10916C>G (p.Thr3639Ser)

Gene: LYST (lysosomal trafficking regulator; minus strand). Cytogenetic location: 1q42.3.
Variant type: single nucleotide variant.
Coding change: c.10916C>G on transcript NM_000081.4 (MANE Select); coding-DNA position 10916, C replaced by G.
Protein change: p.Thr3639Ser; replaces threonine 3639 with serine.
Molecular consequence: missense variant.
Genome position (GRCh38, 1-based): chr1:235,677,504, G>C on the plus strand (C>G on the coding strand, the complement: LYST is on the minus strand). VCF-style: chr1-235677504-G-C. GRCh37 (hg19) VCF-style: chr1-235840804-G-C.
Other names: c.10916C>G, p.Thr3639Ser (NM_001301365.1); short protein forms T3639S.
Identifiers: ClinVar variation 2800539 (VCV002800539.3), dbSNP rs777772931, ClinGen allele CA344921696.